The following is an entry in ClinVar:

ClinVar aggregate classification (germline): Uncertain significance (1 of 4 stars; one submission).

Submission:

Labcorp Genetics (formerly Invitae), Labcorp
Classification: Uncertain significance. Last evaluated: 2024-04-10. Review status: criteria provided, single submitter. Criteria: Invitae Variant Classification Sherloc (09022015). Collection method: clinical testing. Allele origin: germline.
Comment: This variant, c.38_64del, results in the deletion of 9 amino acid(s) of the COQ7 protein (p.Trp13_Arg21del), but otherwise preserves the integrity of the reading frame. This variant is not present in population databases (gnomAD no frequency). This variant has not been reported in the literature in individuals affected with COQ7-related conditions. In summary, the available evidence is currently insufficient to determine the role of this variant in disease. Therefore, it has been classified as a Variant of Uncertain Significance.

NM_016138.5(COQ7):c.38_64del (p.Trp13_Arg21del)

Genes: COQ7 (coenzyme Q7, hydroxylase; plus strand), LOC130058587 (ATAC-STARR-seq lymphoblastoid silent region 7240; plus strand). Cytogenetic location: 16p12.3.
Variant type: Deletion.
Coding change: c.38_64del on transcript NM_016138.5 (MANE Select); coding-DNA positions 38 to 64, 27 bases deleted (GGCGGCTGCGCCCGGGGGCCCGGCGGT).
Protein change: p.Trp13_Arg21del.
Molecular consequence: non-coding transcript variant (on NR_163448.1).
Genome position (GRCh38, 1-based): chr16:19,067,702-19,067,728, GGCGGCTGCGCCCGGGGGCCCGGCGGT deleted; deleting any 27 consecutive bases within chr16:19,067,701-19,067,728 gives the same sequence; the c. name uses the placement nearest the transcript's 3' end. VCF-style (leftmost placement, unchanged base first): chr16-19067700-TTGGCGGCTGCGCCCGGGGGCCCGGCGG-T. GRCh37 (hg19) VCF-style: chr16-19079022-TTGGCGGCTGCGCCCGGGGGCCCGGCGG-T.
Other names: c.38_64del, p.Trp13_Arg21del (NM_001370490.1).
Identifiers: ClinVar variation 3648323 (VCV003648323.2).